The following is an entry in ClinVar:

NM_138420.4(AHNAK2):c.7380G>A (p.Leu2460=)

Gene: AHNAK2 (AHNAK nucleoprotein 2; minus strand). Cytogenetic location: 14q32.33.
Variant type: single nucleotide variant.
Coding change: c.7380G>A on transcript NM_138420.4 (MANE Select); coding-DNA position 7380, G replaced by A.
Protein change: p.Leu2460=; no amino-acid change (leucine 2460 retained).
Molecular consequence: synonymous variant.
Genome position (GRCh38, 1-based): chr14:104,948,071, C>T on the plus strand (G>A on the coding strand, the complement: AHNAK2 is on the minus strand). VCF-style: chr14-104948071-C-T. GRCh37 (hg19) VCF-style: chr14-105414408-C-T.
Other names: c.7080G>A, p.Leu2360= (NM_001350929.2).
Identifiers: ClinVar variation 2644727 (VCV002644727.24), dbSNP rs375448823, ClinGen allele CA7380621.

ClinVar aggregate classification (germline): Likely benign (1 of 4 stars; one submission).

Allele frequency attached by ClinVar (database versions not stated): gnomAD 0.00014; ExAC 0.00022; ESP Exome Variant Server 0.00024.

Submission:

CeGaT Center for Human Genetics Tuebingen
Classification: Likely benign. Last evaluated: 2025-12-01. Review status: criteria provided, single submitter. Criteria: CeGaT Center For Human Genetics Tuebingen Variant Classification Criteria Version 2. Collection method: clinical testing. Allele origin: germline. Affected: yes. Observed: 3 variant alleles.
Comment: AHNAK2: BP4, BP7